The following is an entry in ClinVar:

ClinVar aggregate classification (germline): Uncertain significance. Review status: criteria provided, multiple submitters, no conflicts (2 of 4 stars). 2 submissions from 2 submitters: Uncertain significance (2). Last evaluated 2025-12-02.

Conditions:
Fanconi anemia complementation group A (FANCA). Also called: Fanconi anemia, group A; FANCA-Related Fanconi Anemia. Identifiers: Orphanet 84, MedGen C3469521, MONDO:0009215, OMIM 227650.

gnomAD v4.1: 1 of 1,614,168 alleles (0.000062%); highest among the groups gnomAD compares: East Asian, 0.0022%; no homozygotes.

Submissions (2):

Myriad Genetics, Inc.
Classification: Uncertain significance for Fanconi anemia complementation group A. Last evaluated: 2025-12-02. Review status: criteria provided, single submitter. Criteria: Myriad Autosomal Dominant, Autosomal Recessive and X-Linked Classification Criteria (2023). Collection method: clinical testing. Allele origin: unknown.
Comment: NM_000135.2(FANCA):c.3887A>G(E1296G) is a missense variant classified as a variant of uncertain significance in the context of Fanconi anemia complementation group A. E1296G has not been observed in cases with relevant disease. Relevant functional assessments of this variant are available in the literature (PMID: 31535215). E1296G has not been observed in referenced population frequency databases. In summary, there is insufficient evidence to classify NM_000135.2(FANCA):c.3887A>G(E1296G) as pathogenic or benign. Please note: this variant was assessed in the context of healthy population screening.

Women's Health and Genetics/Laboratory Corporation of America, LabCorp
Classification: Uncertain significance. Last evaluated: 2024-05-14. Review status: criteria provided, single submitter. Criteria: LabCorp Variant Classification Summary - May 2015. Collection method: clinical testing. Allele origin: germline.
Comment: Variant summary: FANCA c.3887A>G (p.Glu1296Gly) results in a non-conservative amino acid change in the encoded protein sequence. Four of five in-silico tools predict a damaging effect of the variant on protein function. The variant was absent in 251492 control chromosomes. The available data on variant occurrences in the general population are insufficient to allow any conclusion about variant significance. c.3887A>G has been reported in the literature in at least one individual affected with premature ovarian insufficiency (e.g. Yang_2019). These report(s) do not provide unequivocal conclusions about association of the variant with Fanconi Anemia. At least one publication reports experimental evidence that this variant results in 60% expression compared to wildtype in vitro (e.g. Yang_2019). The following publication have been ascertained in the context of this evaluation (PMID: 31535215). No submitters have cited clinical-significance assessments for this variant to ClinVar. Based on the evidence outlined above, the variant was classified as uncertain significance.

Literature cited by the submitters: PubMed 31535215 (cited by Myriad Genetics, Inc. and Women's Health and Genetics/Laboratory Corporation of America, LabCorp).

NM_000135.4(FANCA):c.3887A>G (p.Glu1296Gly)

Genes: FANCA (FA complementation group A; minus strand), ZNF276 (zinc finger protein 276; plus strand). Cytogenetic location: 16q24.3.
Variant type: single nucleotide variant.
Coding change: c.3887A>G on transcript NM_000135.4 (MANE Select); coding-DNA position 3887, A replaced by G.
Protein change: p.Glu1296Gly; replaces glutamic acid 1296 with glycine.
Molecular consequence: missense variant. On other transcripts: 3 prime UTR variant (2), non-coding transcript variant (4).
Genome position (GRCh38, 1-based): chr16:89,740,041, T>C on the plus strand (A>G on the coding strand, the complement: FANCA is on the minus strand). VCF-style: chr16-89740041-T-C. GRCh37 (hg19) VCF-style: chr16-89806449-T-C.
Other names: c.3887A>G, p.Glu1296Gly (NM_001286167.3); c.*1795T>C (NM_001113525.2, NM_152287.4); short protein forms E1296G.
Identifiers: ClinVar variation 3335970 (VCV003335970.2).